The following is an entry in ClinVar:

ClinVar aggregate classification (germline): Pathogenic/Likely pathogenic. Review status: criteria provided, multiple submitters, no conflicts (2 of 4 stars). 4 submissions from 4 submitters: Pathogenic (1); Likely pathogenic (3). Last evaluated 2026-05-15.

Conditions:
Aplastic anemia. Identifiers: Orphanet 182040, Orphanet 88, MedGen C0002874, MONDO:0015909, OMIM 609135, HP:0001915.
Shwachman-Diamond syndrome 1 (SDS1). Also called: LIPOMATOSIS OF PANCREAS, CONGENITAL. Identifiers: MedGen C4692625, MONDO:0044204, OMIM 260400.

Allele frequency attached by ClinVar (database versions not stated): gnomAD exomes below 0.00001; ExAC 0.00001.
gnomAD v4.1: 5 of 1,613,846 alleles (0.00031%); highest among the groups gnomAD compares: Non-Finnish European, 0.00034%; no homozygotes.

Submissions (4):

Women's Health and Genetics/Laboratory Corporation of America, LabCorp
Classification: Pathogenic for Shwachman-Diamond syndrome 1. Last evaluated: 2026-05-15. Review status: criteria provided, single submitter. Criteria: LabCorp Variant Classification Summary - May 2015. Collection method: clinical testing. Allele origin: germline.
Comment: Variant summary: SBDS c.653G>A (p.Arg218Gln) results in a conservative amino acid change located in the Ribosome maturation protein SDO1/SBDS, C-terminal domain (IPR046928) of the encoded protein sequence. Algorithms developed to predict the effect of missense changes on protein structure and function are either unavailable or do not agree on the potential impact of this missense change. The variant allele was found at a frequency of 4e-06 in 251282 control chromosomes (gnomAD). c.653G>A has been observed in multiple individuals affected with Shwachman-Diamond syndrome 1 (e.g. Donadieu_2012, Furutani_2022, Kuzmenko_2024). These data indicate that the variant is very likely to be associated with disease. The following publications have been ascertained in the context of this evaluation (PMID: 39052144, 34758064, 22491737). ClinVar contains an entry for this variant (Variation ID: 1328553). Based on the evidence outlined above, the variant was classified as pathogenic.

Broad Center for Mendelian Genomics, Broad Institute of MIT and Harvard
Classification: Likely pathogenic for Shwachman-Diamond syndrome 1. Last evaluated: 2025-02-05. Review status: criteria provided, single submitter. Criteria: ACMG Guidelines, 2015. Collection method: curation. Allele origin: germline. Inheritance: Autosomal recessive inheritance.
Comment: The p.Arg218Gln variant in SBDS has been reported in 4 individuals with Shwachman-Diamond syndrome (PMID: 34758064, 22491737, DOI: 10.15690/vsp.v18i5.2057), and has been identified in 0.0003% (1/1180010) of European (non-Finnish) chromosomes by the Genome Aggregation Database (gnomAD; dbSNP rs757497272). Although this variant has been seen in the general population in a heterozygous state, its frequency is low enough to be consistent with a recessive carrier frequency. The presence of a known pseudogene, SBDSP1, can impact the reliability of allele frequencies. This variant has also been reported in ClinVar (Variation ID: 1328553) and has been interpreted as likely pathogenic by Illumina. Of the 4 affected individuals, all were compound heterozygotes that carried another pathogenic variant with unknown phase, which increases the likelihood that the p.Arg218Gln variant is pathogenic (ClinVar Variation ID: 3196; PMID: 34758064, 22491737, DOI 10.15690/vsp.v18i5.2057, 2019). Computational prediction tools and conservation analyses suggest that this variant may impact the protein, though this information is not predictive enough to determine pathogenicity. In summary, although additional studies are required to fully establish its clinical significance, this variant is likely pathogenic for autosomal recessive Shwachman-Diamond syndrome. ACMG/AMP Criteria applied: PM3_strong, PP3_moderate, PM2_supporting (Richards 2015).

Baylor Genetics
Classification: Likely pathogenic for Aplastic anemia. Last evaluated: 2023-08-01. Review status: criteria provided, single submitter. Criteria: ACMG Guidelines, 2015. Collection method: clinical testing. Allele origin: unknown.

Illumina Laboratory Services, Illumina
Classification: Likely pathogenic for Shwachman-Diamond syndrome 1. Last evaluated: 2021-05-13. Review status: criteria provided, single submitter. Criteria: ICSLVariantClassificationCriteria RUGD 01 April 2020. Collection method: clinical testing. Allele origin: unknown.
Comment: The SBDS c.653G>A (p.Arg218Gln) variant is a missense variant that is reported in three unrelated individuals with Shwachman-Diamond syndrome. Donadieu et al. (2012) identified one patient who carried the p.Arg218Gln variant in a presumed compound heterozygous state with a p.Cys84fs variant, which was noted to result from either c.258+2T>C or c.258+1G>A, while Ipatova et al. (2019) found two unrelated patients who carried the p.Arg218Gln variant in a presumed compound heterozygous state with a c.258+2T>C variant. The p.Arg218Gln variant is reported at a frequency of 0.000009 in the European (non-Finnish) population of the Genome Aggregation Database (version 2.1.1), though this is based on only a single allele in a region of good sequencing coverage, suggesting that the variant is rare. Weis at el. (2015) suggest that the highly conserved Arg218 residue may make electrostatic interactions with the tip of a helix portion of the protein to help provide stability during binding to EFL1. Multiple computational analyses suggest that the p.Arg218Gln variant would negatively impact the protein, though these predictions have not been experimentally confirmed. Based on the available evidence, the p.Arg218Gln variant is classified as likely pathogenic for Shwachman-Diamond syndrome.

Literature cited by the submitters: PubMed 22491737 (cited by Women's Health and Genetics/Laboratory Corporation of America, LabCorp and Illumina Laboratory Services, Illumina); PubMed 34758064 (cited by Women's Health and Genetics/Laboratory Corporation of America, LabCorp); PubMed 39052144 (cited by Women's Health and Genetics/Laboratory Corporation of America, LabCorp); PubMed 26479198 (cited by Illumina Laboratory Services, Illumina).

NM_016038.4(SBDS):c.653G>A (p.Arg218Gln)

Gene: SBDS (SBDS ribosome maturation factor; minus strand). Cytogenetic location: 7q11.21.
Variant type: single nucleotide variant.
Coding change: c.653G>A on transcript NM_016038.4 (MANE Select); coding-DNA position 653, G replaced by A.
Protein change: p.Arg218Gln; replaces arginine 218 with glutamine.
Molecular consequence: missense variant.
Genome position (GRCh38, 1-based): chr7:66,988,471, C>T on the plus strand (G>A on the coding strand, the complement: SBDS is on the minus strand). VCF-style: chr7-66988471-C-T. GRCh37 (hg19) VCF-style: chr7-66453458-C-T.
Other names: NM_016038.4(SBDS):c.653G>A; p.Arg218Gln; short protein forms R218Q.
Identifiers: ClinVar variation 1328553 (VCV001328553.8), dbSNP rs757497272, ClinGen allele CA4279115.